The following is an entry in ClinVar:

ClinVar aggregate classification (germline): Uncertain significance (1 of 4 stars; one submission).

Submission:

Ambry Genetics
Classification: Uncertain significance. Last evaluated: 2025-07-04. Review status: criteria provided, single submitter. Criteria: Ambry Variant Classification Scheme 2023. Collection method: clinical testing. Allele origin: germline.
Comment: The p.K349E variant (also known as c.1045A>G), located in coding exon 3 of the WNK2 gene, results from an A to G substitution at nucleotide position 1045. The lysine at codon 349 is replaced by glutamic acid, an amino acid with similar properties. This amino acid position is conserved. In addition, the in silico prediction for this alteration is inconclusive. Based on the available evidence, the clinical significance of this variant remains unclear.

NM_006648.4(WNK2):c.1045A>G (p.Lys349Glu)

Gene: WNK2 (WNK lysine deficient protein kinase 2; plus strand). Cytogenetic location: 9q22.31.
Variant type: single nucleotide variant.
Coding change: c.1045A>G on transcript NM_006648.4 (MANE Select); coding-DNA position 1045, A replaced by G.
Protein change: p.Lys349Glu; replaces lysine 349 with glutamic acid.
Molecular consequence: missense variant.
Genome position (GRCh38, 1-based): chr9:93,231,078, A>G. VCF-style: chr9-93231078-A-G. GRCh37 (hg19) VCF-style: chr9-95993360-A-G.
Other names: c.1045A>G, p.Lys349Glu (NM_001282394.3); short protein forms K349E.
Identifiers: ClinVar variation 4201589 (VCV004201589.1).